The following is an entry in ClinVar:

ClinVar aggregate classification (germline): Pathogenic (1 of 4 stars; one submission).

Conditions:
Duchenne muscular dystrophy (DMD). Also called: MUSCULAR DYSTROPHY, PSEUDOHYPERTROPHIC PROGRESSIVE, DUCHENNE TYPE; Duchenne Muscular Dystrophy (DMD). Identifiers: Orphanet 98896, MedGen C0013264, MONDO:0010679, OMIM 310200.

Submission:

3billion
Classification: Pathogenic for Duchenne muscular dystrophy. Last evaluated: 2022-05-22. Review status: criteria provided, single submitter. Criteria: ACMG Guidelines, 2015. Collection method: clinical testing. Allele origin: germline. Affected: yes. Observed: 1 hemizygote.
Comment: The variant is not observed in the gnomAD v2.1.1 dataset. Stop-gained (nonsense): predicted to result in a loss or disruption of normal protein function through nonsense-mediated decay (NMD) or protein truncation. Multiple pathogenic variants are reported downstream of the variant. The variant has been reported to be associated with DMD related disorder (PMID: 26951757). Therefore, this variant is classified as pathogenic according to the recommendation of ACMG/AMP guideline.

Literature cited by the submitters: PubMed 26951757.

NM_004006.3(DMD):c.1032T>A (p.Tyr344Ter)

Gene: DMD (dystrophin; minus strand). Cytogenetic location: Xp21.1.
Variant type: single nucleotide variant.
Coding change: c.1032T>A on transcript NM_004006.3 (MANE Select); coding-DNA position 1032, T replaced by A.
Protein change: p.Tyr344Ter; replaces tyrosine 344 with a stop codon.
Molecular consequence: nonsense.
Genome position (GRCh38, 1-based): chrX:32,645,081, A>T on the plus strand (T>A on the coding strand, the complement: DMD is on the minus strand). VCF-style: chrX-32645081-A-T. GRCh37 (hg19) VCF-style: chrX-32663198-A-T.
Other names: c.1008T>A, p.Tyr336Ter (NM_000109.4); c.1020T>A, p.Tyr340Ter (NM_004009.3); c.663T>A, p.Tyr221Ter (NM_004010.3); short protein forms Y221*, Y336*, Y340*, Y344*.
Identifiers: ClinVar variation 1322216 (VCV001322216.2), dbSNP rs2146834581, ClinGen allele CA412662159.
Genomic context (GRCh38, chrX:32,645,081, plus strand): 5'-TGCTTGCAATGTGTCCTCAGCAGAAAGAAGCCACGATAATACTTCTTCTAAAGCTGTTTG[A>T]TAACGGTCCAGGTTTACTTCACTCTCCATCAATGAACTGCCAAATGACTTGTCTTCAGGA-3'